The following is an entry in ClinVar:

ClinVar aggregate classification (germline): Likely benign (0 of 4 stars; one submission).

Conditions:
ATRN-related disorder. Also called: ATRN-related condition.

Allele frequency attached by ClinVar (database versions not stated): gnomAD 0.00001; gnomAD exomes 0.00003.
gnomAD v4.1: 43 of 1,549,340 alleles (0.0028%); highest among the groups gnomAD compares: Middle Eastern, 0.017%; no homozygotes.

Submission:

PreventionGenetics, part of Exact Sciences
Classification: Likely benign for ATRN-related condition. Last evaluated: 2019-08-01. Review status: no assertion criteria provided. Collection method: clinical testing. Allele origin: germline.
Comment: This variant is classified as likely benign based on ACMG/AMP sequence variant interpretation guidelines (Richards et al. 2015 PMID: 25741868, with internal and published modifications).

NM_139321.3(ATRN):c.468G>A (p.Thr156=)

Gene: ATRN (attractin; plus strand). Cytogenetic location: 20p13.
Variant type: single nucleotide variant.
Coding change: c.468G>A on transcript NM_139321.3 (MANE Select); coding-DNA position 468, G replaced by A.
Protein change: p.Thr156=; no amino-acid change (threonine 156 retained).
Molecular consequence: synonymous variant.
Genome position (GRCh38, 1-based): chr20:3,535,310, G>A. VCF-style: chr20-3535310-G-A. GRCh37 (hg19) VCF-style: chr20-3515957-G-A.
Other names: c.120G>A, p.Thr40= (NM_001207047.3); c.468G>A, p.Thr156= (NM_001323332.2, NM_139322.4).
Identifiers: ClinVar variation 3035309 (VCV003035309.2), dbSNP rs375750291, ClinGen allele CA310687461.